The following is an entry in ClinVar:

NM_006939.4(SOS2):c.895G>A (p.Asp299Asn)

Gene: SOS2 (SOS Ras/Rho guanine nucleotide exchange factor 2; minus strand). Cytogenetic location: 14q21.3.
Variant type: single nucleotide variant.
Coding change: c.895G>A on transcript NM_006939.4 (MANE Select); coding-DNA position 895, G replaced by A.
Protein change: p.Asp299Asn; replaces aspartic acid 299 with asparagine.
Molecular consequence: missense variant.
Genome position (GRCh38, 1-based): chr14:50,180,646, C>T on the plus strand (G>A on the coding strand, the complement: SOS2 is on the minus strand). VCF-style: chr14-50180646-C-T. GRCh37 (hg19) VCF-style: chr14-50647364-C-T.
Other names: c.895G>A, p.Asp299Asn (NM_001411020.1); short protein forms D299N.
Identifiers: ClinVar variation 3799921 (VCV003799921.1).
Genomic context (GRCh38, chr14:50,180,646, plus strand): 5'-CAACTGCAGGTCTGGCCATCAATTTATTGAAATGTTCATGAAACTCTGGTGAAAGAATGT[C>T]CTGTGATAATGTTTCATAAGGATCAAATGCTTGCTCCTATTTTTTTAAAAAGAGAAAAAG-3'
Protein context (NP_008870.2, residues 289-309): AFDPYETLSQ[Asp299Asn]ILSPEFHEHF

ClinVar aggregate classification (germline): Uncertain significance (1 of 4 stars; one submission).

Conditions:
Cardiovascular phenotype. Identifiers: MedGen CN230736.

Submission:

Ambry Genetics
Classification: Uncertain significance for Cardiovascular phenotype. Last evaluated: 2025-02-06. Review status: criteria provided, single submitter. Criteria: Ambry Variant Classification Scheme 2023. Collection method: clinical testing. Allele origin: germline.
Comment: The p.D299N variant (also known as c.895G>A), located in coding exon 7 of the SOS2 gene, results from a G to A substitution at nucleotide position 895. The aspartic acid at codon 299 is replaced by asparagine, an amino acid with highly similar properties. This amino acid position is conserved. In addition, this alteration is predicted to be tolerated by in silico analysis. Based on the available evidence, the clinical significance of this variant remains unclear.